The following is an entry in ClinVar:

NM_002470.4(MYH3):c.3462G>A (p.Ala1154=)

Gene: MYH3 (myosin heavy chain 3; minus strand). Cytogenetic location: 17p13.1.
Variant type: single nucleotide variant.
Coding change: c.3462G>A on transcript NM_002470.4 (MANE Select); coding-DNA position 3462, G replaced by A.
Protein change: p.Ala1154=; no amino-acid change (alanine 1154 retained).
Molecular consequence: synonymous variant.
Genome position (GRCh38, 1-based): chr17:10,638,310, C>T on the plus strand (G>A on the coding strand, the complement: MYH3 is on the minus strand). VCF-style: chr17-10638310-C-T. GRCh37 (hg19) VCF-style: chr17-10541627-C-T.
Identifiers: ClinVar variation 321739 (VCV000321739.16), dbSNP rs201553125, ClinGen allele CA8392503.

ClinVar aggregate classification (germline): Benign/Likely benign. Review status: criteria provided, multiple submitters, no conflicts (2 of 4 stars). 5 submissions from 4 submitters: Benign (2); Likely benign (2). 1 of the submissions does not count toward it. Last evaluated 2026-01-25.

Conditions:
MYH3-related disorder. Also called: MYH3-Related Disorders; MYH3-related condition. Identifiers: MedGen CN239329.
Distal arthrogryposis type 2B1 (DA2B1). Also called: Arthrogryposis multiplex congenita distal type II with craniofacial abnormalities. Identifiers: Orphanet 1147, MedGen C5193014, MONDO:0020820, OMIM 601680.
Freeman-Sheldon syndrome (DA2A). Also called: CRANIOCARPOTARSAL DYSPLASIA; CRANIOCARPOTARSAL DYSTROPHY; WHISTLING FACE-WINDMILL VANE HAND SYNDROME; Arthrogryposis, distal, type 2A (Freeman-Sheldon). Identifiers: Orphanet 2053, MedGen C0265224, MONDO:0008675, OMIM 193700.

Allele frequency attached by ClinVar (database versions not stated): gnomAD 0.00013 and 0.00006; gnomAD exomes 0.00030; ExAC 0.00034; 1000 Genomes Project 30x 0.00062; 1000 Genomes Project 0.00080; TOPMed 0.00009.
gnomAD v4.1: 257 of 1,613,096 alleles (0.016%); highest among the groups gnomAD compares: East Asian, 0.26%; 2 homozygotes.

Submissions (5):

Labcorp Genetics (formerly Invitae), Labcorp
Classification: Benign. Last evaluated: 2026-01-25. Review status: criteria provided, single submitter. Criteria: Invitae Variant Classification Sherloc (09022015). Collection method: clinical testing. Allele origin: germline.

Blueprint Genetics
Classification: Likely benign. Last evaluated: 2024-11-07. Review status: criteria provided, single submitter. Criteria: ACMG Guidelines, 2015. Collection method: clinical testing. Allele origin: germline.

Illumina Laboratory Services, Illumina
Classification: Benign for Freeman-Sheldon syndrome. Last evaluated: 2018-01-13. Review status: criteria provided, single submitter. Criteria: ICSL Variant Classification Criteria 13 December 2019. Collection method: clinical testing. Allele origin: germline.
Comment: This variant was observed in the ICSL laboratory as part of a predisposition screen in an ostensibly healthy population. It had not been previously curated by ICSL or reported in the Human Gene Mutation Database (HGMD: prior to June 1st, 2018), and was therefore a candidate for classification through an automated scoring system. Utilizing variant allele frequency, disease prevalence and penetrance estimates, and inheritance mode, an automated score was calculated to assess if this variant is too frequent to cause the disease. Based on the score and internal cut-off values, a variant classified as benign is not then subjected to further curation. The score for this variant resulted in a classification of benign for this disease.

Illumina Laboratory Services, Illumina
Classification: Likely benign for Distal arthrogryposis type 2B1. Last evaluated: 2018-01-13. Review status: criteria provided, single submitter. Criteria: ICSL Variant Classification Criteria 13 December 2019. Collection method: clinical testing. Allele origin: germline.
Comment: This variant was observed in the ICSL laboratory as part of a predisposition screen in an ostensibly healthy population. It had not been previously curated by ICSL or reported in the Human Gene Mutation Database (HGMD: prior to June 1st, 2018), and was therefore a candidate for classification through an automated scoring system. Utilizing variant allele frequency, disease prevalence and penetrance estimates, and inheritance mode, an automated score was calculated to assess if this variant is too frequent to cause the disease. Based on the score and internal cut-off values, a variant classified as likely benign is not then subjected to further curation. The score for this variant resulted in a classification of likely benign for this disease.

PreventionGenetics, part of Exact Sciences
Classification: Likely benign for MYH3-related condition. Last evaluated: 2024-01-02. Review status: no assertion criteria provided. Collection method: clinical testing. Allele origin: germline. Not counted in ClinVar's aggregate classification.
Comment: This variant is classified as likely benign based on ACMG/AMP sequence variant interpretation guidelines (Richards et al. 2015 PMID: 25741868, with internal and published modifications).